The following is an entry in ClinVar:

ClinVar aggregate classification (germline): Pathogenic (1 of 4 stars; one submission).

Conditions:
Holocarboxylase synthetase deficiency. Also called: MULTIPLE CARBOXYLASE DEFICIENCY, EARLY ONSET. Identifiers: Orphanet 79242, MedGen C0268581, MONDO:0009666, OMIM 253270.

Submission:

Myriad Genetics, Inc.
Classification: Pathogenic for Holocarboxylase synthetase deficiency. Last evaluated: 2024-01-15. Review status: criteria provided, single submitter. Criteria: Myriad Autosomal Dominant, Autosomal Recessive and X-Linked Classification Criteria (2023). Collection method: clinical testing. Allele origin: unknown.
Comment: NM_000411.6(HLCS):c.337G>T(E113*) is expected to be pathogenic in the context of holocarboxylase synthetase deficiency. This variant is predicted to lead to an abnormal or absent protein product due to the creation of a premature termination codon in HLCS, a gene where loss-of-function variants are known to be pathogenic. Please note: this variant was assessed in the context of healthy population screening.

NM_001352514.2(HLCS):c.778G>T (p.Glu260Ter)

Gene: HLCS (holocarboxylase synthetase; minus strand). Cytogenetic location: 21q22.13.
Variant type: single nucleotide variant.
Coding change: c.778G>T on transcript NM_001352514.2 (MANE Select); coding-DNA position 778, G replaced by T.
Protein change: p.Glu260Ter; replaces glutamic acid 260 with a stop codon.
Molecular consequence: nonsense. On other transcripts: non-coding transcript variant (2).
Genome position (GRCh38, 1-based): chr21:36,937,108, C>A on the plus strand (G>T on the coding strand, the complement: HLCS is on the minus strand). VCF-style: chr21-36937108-C-A. GRCh37 (hg19) VCF-style: chr21-38309408-C-A.
Other names: c.337G>T, p.Glu113Ter (NM_000411.8, NM_001242784.3, NM_001242785.2 and 4 more transcripts); short protein forms E113*, E260*.
Identifiers: ClinVar variation 5012648 (VCV005012648.1).